The following is an entry in ClinVar:

ClinVar aggregate classification (germline): Uncertain significance (1 of 4 stars; one submission).

gnomAD v4.1: 2 of 1,614,188 alleles (0.00012%); highest among the groups gnomAD compares: Non-Finnish European, 0.00017%; no homozygotes.

Submission:

GeneDx
Classification: Uncertain significance. Last evaluated: 2023-12-14. Review status: criteria provided, single submitter. Criteria: GeneDx Variant Classification Process June 2021. Collection method: clinical testing. Allele origin: germline. Affected: yes.
Comment: Not observed at significant frequency in large population cohorts (gnomAD); In silico analysis supports that this missense variant has a deleterious effect on protein structure/function; Has not been previously published as pathogenic or benign to our knowledge

NM_006445.4(PRPF8):c.214G>A (p.Asp72Asn)

Gene: PRPF8 (pre-mRNA processing factor 8; minus strand). Cytogenetic location: 17p13.3.
Variant type: single nucleotide variant.
Coding change: c.214G>A on transcript NM_006445.4 (MANE Select); coding-DNA position 214, G replaced by A.
Protein change: p.Asp72Asn; replaces aspartic acid 72 with asparagine.
Molecular consequence: missense variant.
Genome position (GRCh38, 1-based): chr17:1,683,588, C>T on the plus strand (G>A on the coding strand, the complement: PRPF8 is on the minus strand). VCF-style: chr17-1683588-C-T. GRCh37 (hg19) VCF-style: chr17-1586882-C-T.
Other names: short protein forms D72N.
Identifiers: ClinVar variation 3365836 (VCV003365836.1).